The following is an entry in ClinVar:

ClinVar aggregate classification (germline): Uncertain significance (1 of 4 stars; one submission).

Submission:

GeneDx
Classification: Uncertain significance. Last evaluated: 2025-06-12. Review status: criteria provided, single submitter. Criteria: GeneDx Variant Classification Process June 2021. Collection method: clinical testing. Allele origin: germline. Affected: yes.
Comment: Not observed at significant frequency in large population cohorts (gnomAD); In silico analysis supports a deleterious effect on splicing; Has not been previously published as pathogenic or benign to our knowledge

NM_001371623.1(TCOF1):c.3518-13T>A

Gene: TCOF1 (treacle ribosome biogenesis factor 1; plus strand). Cytogenetic location: 5q32.
Variant type: single nucleotide variant.
Coding change: c.3518-13T>A on transcript NM_001371623.1 (MANE Select); 13 bases into the intron before coding-DNA position 3518, T replaced by A.
Molecular consequence: intron variant.
Genome position (GRCh38, 1-based): chr5:150,392,692, T>A. VCF-style: chr5-150392692-T-A. GRCh37 (hg19) VCF-style: chr5-149772255-T-A.
Other names: c.3518-16T>A (NM_001135243.2); c.3404-13T>A (NM_001135244.2); c.3404-16T>A (NM_001195141.2); c.3284-13T>A (NM_001437406.1); c.3287-13T>A (NM_001135245.2); c.3287-16T>A (NM_000356.4).
Identifiers: ClinVar variation 4537909 (VCV004537909.1).
Genomic context (GRCh38, chr5:150,392,692, plus strand): 5'-TCCTGAAGGGCTCTGCCCTTCCCGGCTGGCAGGGGCCACCTGGGGCTACCAACAGGATAC[T>A]GTGCTTCTCCAGTAGGTCCCACCCCCTCCAGGACAGAGACCCTGGTGGAGGAGACCGCAG-3'